The following is an entry in ClinVar:

ClinVar aggregate classification (germline): Uncertain significance (1 of 4 stars; one submission).

Allele frequency attached by ClinVar (database versions not stated): gnomAD exomes below 0.00001.
gnomAD v4.1: 6 of 1,509,088 alleles (0.0004%); highest among the groups gnomAD compares: Non-Finnish European, 0.00053%; no homozygotes.

Submission:

Labcorp Genetics (formerly Invitae), Labcorp
Classification: Uncertain significance. Last evaluated: 2022-07-04. Review status: criteria provided, single submitter. Criteria: Invitae Variant Classification Sherloc (09022015). Collection method: clinical testing. Allele origin: germline.
Comment: The frequency data for this variant in the population databases is considered unreliable, as metrics indicate poor data quality at this position in the gnomAD database. This variant has not been reported in the literature in individuals affected with SPEG-related conditions. Algorithms developed to predict the effect of missense changes on protein structure and function are either unavailable or do not agree on the potential impact of this missense change (SIFT: "Tolerated"; PolyPhen-2: "Possibly Damaging"; Align-GVGD: "Class C0"). In summary, the available evidence is currently insufficient to determine the role of this variant in disease. Therefore, it has been classified as a Variant of Uncertain Significance. This sequence change replaces glutamine, which is neutral and polar, with arginine, which is basic and polar, at codon 605 of the SPEG protein (p.Gln605Arg).

NM_005876.5(SPEG):c.1814A>G (p.Gln605Arg)

Gene: SPEG (striated muscle enriched protein kinase; plus strand). Cytogenetic location: 2q35.
Variant type: single nucleotide variant.
Coding change: c.1814A>G on transcript NM_005876.5 (MANE Select); coding-DNA position 1814, A replaced by G.
Protein change: p.Gln605Arg; replaces glutamine 605 with arginine.
Molecular consequence: missense variant.
Genome position (GRCh38, 1-based): chr2:219,448,972, A>G. VCF-style: chr2-219448972-A-G. GRCh37 (hg19) VCF-style: chr2-220313694-A-G.
Other names: short protein forms Q605R.
Identifiers: ClinVar variation 2103786 (VCV002103786.4), dbSNP rs1231653413, ClinGen allele CA350724351.